The following is an entry in ClinVar:

NM_000542.5(SFTPB):c.591C>T (p.Ser197=)

Gene: SFTPB (surfactant protein B; minus strand). Cytogenetic location: 2p11.2.
Variant type: single nucleotide variant.
Coding change: c.591C>T on transcript NM_000542.5 (MANE Select); coding-DNA position 591, C replaced by T.
Protein change: p.Ser197=; no amino-acid change (serine 197 retained).
Molecular consequence: synonymous variant.
Genome position (GRCh38, 1-based): chr2:85,665,370, G>A on the plus strand (C>T on the coding strand, the complement: SFTPB is on the minus strand). VCF-style: chr2-85665370-G-A. GRCh37 (hg19) VCF-style: chr2-85892493-G-A.
Other names: c.591C>T, p.Ser197= (NM_001367281.2, NM_198843.4).
Identifiers: ClinVar variation 725729 (VCV000725729.36), dbSNP rs45530632, ClinGen allele CA1743986.

ClinVar aggregate classification (germline): Benign/Likely benign. Review status: criteria provided, multiple submitters, no conflicts (2 of 4 stars). 5 submissions from 5 submitters: Benign (1); Likely benign (3). 1 of the submissions does not count toward it. Last evaluated 2025-09-13.

Conditions:
Hereditary pulmonary alveolar proteinosis. Also called: Pulmonary surfactant metabolism dysfunction. Identifiers: Orphanet 264675, MedGen C3711368, MONDO:0012580.
SFTPB-related disorder. Also called: SFTPB-related condition.

Allele frequency attached by ClinVar (database versions not stated): gnomAD exomes 0.00008 and 0.00020; ExAC 0.00026; 1000 Genomes Project 30x 0.00047; 1000 Genomes Project 0.00060; ESP Exome Variant Server 0.00062; gnomAD 0.00073 and 0.00078; TOPMed 0.00091.
gnomAD v4.1: 237 of 1,613,752 alleles (0.015%); highest among the groups gnomAD compares: African/African-American, 0.25%; no homozygotes.

Submissions (5):

Labcorp Genetics (formerly Invitae), Labcorp
Classification: Benign. Last evaluated: 2025-09-13. Review status: criteria provided, single submitter. Criteria: Invitae Variant Classification Sherloc (09022015). Collection method: clinical testing. Allele origin: germline.

Blueprint Genetics
Classification: Likely benign. Last evaluated: 2024-09-13. Review status: criteria provided, single submitter. Criteria: ACMG Guidelines, 2015. Collection method: clinical testing. Allele origin: germline.

CeGaT Center for Human Genetics Tuebingen
Classification: Likely benign. Last evaluated: 2022-05-01. Review status: criteria provided, single submitter. Criteria: CeGaT Center For Human Genetics Tuebingen Variant Classification Criteria Version 2. Collection method: clinical testing. Allele origin: germline. Affected: yes. Observed: 1 variant allele.
Comment: SFTPB: BP4, BP7

Ambry Genetics
Classification: Likely benign for Hereditary pulmonary alveolar proteinosis. Last evaluated: 2016-10-10. Review status: criteria provided, single submitter. Criteria: Ambry Variant Classification Scheme 2023. Collection method: clinical testing. Allele origin: germline.

PreventionGenetics, part of Exact Sciences
Classification: Likely benign for SFTPB-related condition. Last evaluated: 2019-09-20. Review status: no assertion criteria provided. Collection method: clinical testing. Allele origin: germline. Not counted in ClinVar's aggregate classification.
Comment: This variant is classified as likely benign based on ACMG/AMP sequence variant interpretation guidelines (Richards et al. 2015 PMID: 25741868, with internal and published modifications).